The following is an entry in ClinVar:

NM_005862.3(STAG1):c.962T>A (p.Met321Lys)

Gene: STAG1 (STAG1 cohesin complex component; minus strand). Cytogenetic location: 3q22.3.
Variant type: single nucleotide variant.
Coding change: c.962T>A on transcript NM_005862.3 (MANE Select); coding-DNA position 962, T replaced by A.
Protein change: p.Met321Lys; replaces methionine 321 with lysine.
Molecular consequence: missense variant.
Genome position (GRCh38, 1-based): chr3:136,477,353, A>T on the plus strand (T>A on the coding strand, the complement: STAG1 is on the minus strand). VCF-style: chr3-136477353-A-T. GRCh37 (hg19) VCF-style: chr3-136196195-A-T.
Other names: short protein forms M321K.
Identifiers: ClinVar variation 4176069 (VCV004176069.2).
Genomic context (GRCh38, chr3:136,477,353, plus strand): 5'-TCATGAAGAGTCCAGCCAACATATTTTAGGTAACTGTCATTTAGGAAGGCATCACTATAC[A>T]TTTTCATCCATACTCCAATTTCTTCAATACAAATGGCTCTAATCTCAGCAATAGCATCAC-3'
Protein context (NP_005853.2, residues 311-331): CIEEIGVWMK[Met321Lys]YSDAFLNDSY

ClinVar aggregate classification (germline): Uncertain significance (1 of 4 stars; one submission).

Conditions:
Inborn genetic diseases. Identifiers: MedGen C0950123, MeSH D030342.

gnomAD v4.1: 1 of 1,613,146 alleles (0.000062%); highest among the groups gnomAD compares: African/African-American, 0.0013%; no homozygotes.

Submission:

Ambry Genetics
Classification: Uncertain significance for Inborn genetic diseases. Last evaluated: 2025-10-09. Review status: criteria provided, single submitter. Criteria: Ambry Variant Classification Scheme 2023. Collection method: clinical testing. Allele origin: germline.
Comment: The c.962T>A (p.M321K) alteration is located in exon 10 (coding exon 9) of the STAG1 gene. This alteration results from a T to A substitution at nucleotide position 962, causing the methionine (M) at amino acid position 321 to be replaced by a lysine (K). This variant was not reported in population-based cohorts in the Genome Aggregation Database (gnomAD). This amino acid position is well conserved in available vertebrate species. This missense alteration is located in a region that has a low rate of benign missense variation (Lek, 2016; Firth, 2009). The in silico prediction for this alteration is inconclusive. Based on insufficient or conflicting evidence, the clinical significance of this alteration remains unclear.